The following is an entry in ClinVar:

NM_018263.6(ASXL2):c.3610A>C (p.Ser1204Arg)

Gene: ASXL2 (ASXL transcriptional regulator 2; minus strand). Cytogenetic location: 2p23.3.
Variant type: single nucleotide variant.
Coding change: c.3610A>C on transcript NM_018263.6 (MANE Select); coding-DNA position 3610, A replaced by C.
Protein change: p.Ser1204Arg; replaces serine 1204 with arginine.
Molecular consequence: missense variant.
Genome position (GRCh38, 1-based): chr2:25,742,727, T>G on the plus strand (A>C on the coding strand, the complement: ASXL2 is on the minus strand). VCF-style: chr2-25742727-T-G. GRCh37 (hg19) VCF-style: chr2-25965596-T-G.
Other names: c.3436A>C, p.Ser1146Arg (NM_001369346.1); c.2830A>C, p.Ser944Arg (NM_001369347.1); short protein forms S1146R, S1204R, S944R.
Identifiers: ClinVar variation 3769499 (VCV003769499.2).

ClinVar aggregate classification (germline): Uncertain significance (1 of 4 stars; one submission).

gnomAD v4.1: 3 of 1,614,002 alleles (0.00019%); highest among the groups gnomAD compares: African/African-American, 0.0027%; no homozygotes.

Submission:

Women's Health and Genetics/Laboratory Corporation of America, LabCorp
Classification: Uncertain significance. Last evaluated: 2025-01-30. Review status: criteria provided, single submitter. Criteria: LabCorp Variant Classification Summary - May 2015. Collection method: clinical testing. Allele origin: germline.
Comment: Variant summary: ASXL2 c.3610A>C (p.Ser1204Arg) results in a non-conservative amino acid change in the encoded protein sequence. Four of five in-silico tools predict a benign effect of the variant on protein function. The variant was absent in 249240 control chromosomes (gnomAD). The available data on variant occurrences in the general population are insufficient to allow any conclusion about variant significance. To our knowledge, no occurrence of c.3610A>C in individuals affected with Shashi-Pena Syndrome and no experimental evidence demonstrating its impact on protein function have been reported. No submitters have cited clinical-significance assessments for this variant to ClinVar. Based on the evidence outlined above, the variant was classified as uncertain significance.